The following is an entry in ClinVar:

ClinVar aggregate classification (germline): Uncertain significance (1 of 4 stars; one submission).

Conditions:
PALB2-related disorder. Also called: PALB2-related disorders; PALB2-related condition.

Submission:

PreventionGenetics, part of Exact Sciences
Classification: Uncertain significance for PALB2-related condition. Last evaluated: 2024-11-27. Review status: criteria provided, single submitter. Criteria: ACMG Guidelines, 2015. Collection method: clinical testing. Allele origin: germline.
Comment: The PALB2 c.2371G>C variant is predicted to result in the amino acid substitution p.Val791Leu. To our knowledge, this variant has not been reported in the literature or in a large population database (gnomAD), indicating this variant is rare. This variant has not been reported in the ClinVar database. At this time, the clinical significance of this variant is uncertain due to the absence of conclusive functional and genetic evidence.

NM_024675.4(PALB2):c.2371G>C (p.Val791Leu)

Gene: PALB2 (partner and localizer of BRCA2; minus strand). Cytogenetic location: 16p12.2.
Variant type: single nucleotide variant.
Coding change: c.2371G>C on transcript NM_024675.4 (MANE Select); coding-DNA position 2371, G replaced by C.
Protein change: p.Val791Leu; replaces valine 791 with leucine.
Molecular consequence: missense variant. On other transcripts: intron variant (1).
Genome position (GRCh38, 1-based): chr16:23,629,783, C>G on the plus strand (G>C on the coding strand, the complement: PALB2 is on the minus strand). VCF-style: chr16-23629783-C-G. GRCh37 (hg19) VCF-style: chr16-23641104-C-G.
Other names: c.2311G>C, p.Val771Leu (NM_001407296.1); c.2371G>C, p.Val791Leu (NM_001407297.1, NM_001407298.1, NM_001407299.1 and 3 more transcripts); c.1486G>C, p.Val496Leu (NM_001407304.1, NM_001407305.1, NM_001407306.1 and 5 more transcripts); c.583G>C, p.Val195Leu (NM_001407312.1, NM_001407313.1); c.49-508G>C (NM_001407314.1); short protein forms V195L, V496L, V771L, V791L.
Identifiers: ClinVar variation 4998891 (VCV004998891.1).